The following is an entry in ClinVar:

NM_024529.5(CDC73):c.1559+4A>T

Gene: CDC73 (cell division cycle 73; plus strand). Cytogenetic location: 1q31.2.
Variant type: single nucleotide variant.
Coding change: c.1559+4A>T on transcript NM_024529.5 (MANE Select); 4 bases into the intron after coding-DNA position 1559, A replaced by T.
Molecular consequence: intron variant.
Genome position (GRCh38, 1-based): chr1:193,249,875, A>T. VCF-style: chr1-193249875-A-T. GRCh37 (hg19) VCF-style: chr1-193219005-A-T.
Identifiers: ClinVar variation 836065 (VCV000836065.12), dbSNP rs1001095861, ClinGen allele CA916081296.

ClinVar aggregate classification (germline): Conflicting classifications of pathogenicity. Review status: criteria provided, conflicting classifications (1 of 4 stars). 2 submissions from 2 submitters: Uncertain significance (1); Likely benign (1). Last evaluated 2025-10-20.

Conditions:
Hereditary cancer-predisposing syndrome. Also called: Hereditary neoplastic syndrome; Neoplastic Syndromes, Hereditary; Tumor predisposition; Hereditary Cancer Syndrome. Identifiers: Orphanet 140162, MedGen C0027672, MeSH D009386, MONDO:0015356.
Parathyroid carcinoma (PRTC). Also called: Parathyroid gland carcinoma; CDC73-Related Parathyroid Carcinoma. Identifiers: Orphanet 143, MedGen C0687150, MONDO:0012004, OMIM 608266, HP:0006780.

gnomAD v4.1: 1 of 1,612,044 alleles (0.000062%); highest among the groups gnomAD compares: Non-Finnish European, 0.000085%; no homozygotes.

Submissions (2):

Ambry Genetics
Classification: Likely benign for Hereditary cancer-predisposing syndrome. Last evaluated: 2025-10-20. Review status: criteria provided, single submitter. Criteria: Ambry Variant Classification Scheme 2023. Collection method: clinical testing. Allele origin: germline.

Labcorp Genetics (formerly Invitae), Labcorp
Classification: Uncertain significance for Parathyroid carcinoma. Last evaluated: 2024-01-09. Review status: criteria provided, single submitter. Criteria: Invitae Variant Classification Sherloc (09022015). Collection method: clinical testing. Allele origin: germline.
Comment: This sequence change falls in intron 16 of the CDC73 gene. It does not directly change the encoded amino acid sequence of the CDC73 protein. It affects a nucleotide within the consensus splice site. This variant is not present in population databases (gnomAD no frequency). This variant has not been reported in the literature in individuals affected with CDC73-related conditions. ClinVar contains an entry for this variant (Variation ID: 836065). Variants that disrupt the consensus splice site are a relatively common cause of aberrant splicing (PMID: 17576681, 9536098). Algorithms developed to predict the effect of sequence changes on RNA splicing suggest that this variant is not likely to affect RNA splicing. In summary, the available evidence is currently insufficient to determine the role of this variant in disease. Therefore, it has been classified as a Variant of Uncertain Significance.

Literature cited by the submitters: PubMed 17576681 (cited by Labcorp Genetics (formerly Invitae), Labcorp); PubMed 9536098 (cited by Labcorp Genetics (formerly Invitae), Labcorp).